The following is an entry in ClinVar:

ClinVar aggregate classification (germline): Uncertain significance (1 of 4 stars; one submission).

Conditions:
Hyperphosphatasia with impaired intellectual development syndrome 2. Also called: Hyperphosphatasia with intellectual disability syndrome 2; GLYCOSYLPHOSPHATIDYLINOSITOL BIOSYNTHESIS DEFECT 6. Identifiers: Orphanet 247262, MedGen C3553637, MONDO:0013882, OMIM 614749.

Allele frequency attached by ClinVar (database versions not stated): ExAC 0.00001; TOPMed 0.00001; gnomAD exomes 0.00002 and 0.00001; gnomAD 0.00001.
gnomAD v4.1: 26 of 1,613,692 alleles (0.0016%); highest among the groups gnomAD compares: Non-Finnish European, 0.002%; no homozygotes.

Submission:

Labcorp Genetics (formerly Invitae), Labcorp
Classification: Uncertain significance for Hyperphosphatasia with impaired intellectual development syndrome 2. Last evaluated: 2022-09-07. Review status: criteria provided, single submitter. Criteria: Invitae Variant Classification Sherloc (09022015). Collection method: clinical testing. Allele origin: germline.
Comment: This sequence change replaces leucine, which is neutral and non-polar, with phenylalanine, which is neutral and non-polar, at codon 393 of the PIGO protein (p.Leu393Phe). This variant is present in population databases (rs748782878, gnomAD 0.002%). This variant has not been reported in the literature in individuals affected with PIGO-related conditions. ClinVar contains an entry for this variant (Variation ID: 651743). Algorithms developed to predict the effect of missense changes on protein structure and function output the following: SIFT: "Tolerated"; PolyPhen-2: "Benign"; Align-GVGD: "Class C0". The phenylalanine amino acid residue is found in multiple mammalian species, which suggests that this missense change does not adversely affect protein function. In summary, the available evidence is currently insufficient to determine the role of this variant in disease. Therefore, it has been classified as a Variant of Uncertain Significance.

NM_032634.4(PIGO):c.1177C>T (p.Leu393Phe)

Gene: PIGO (phosphatidylinositol glycan anchor biosynthesis class O; minus strand). Cytogenetic location: 9p13.3.
Variant type: single nucleotide variant.
Coding change: c.1177C>T on transcript NM_032634.4 (MANE Select); coding-DNA position 1177, C replaced by T.
Protein change: p.Leu393Phe; replaces leucine 393 with phenylalanine.
Molecular consequence: missense variant.
Genome position (GRCh38, 1-based): chr9:35,092,710, G>A on the plus strand (C>T on the coding strand, the complement: PIGO is on the minus strand). VCF-style: chr9-35092710-G-A. GRCh37 (hg19) VCF-style: chr9-35092707-G-A.
Other names: c.1177C>T, p.Leu393Phe (NM_001201484.2, NM_152850.4); short protein forms L393F.
Identifiers: ClinVar variation 651743 (VCV000651743.6), dbSNP rs748782878, ClinGen allele CA5040702.
Genomic context (GRCh38, chr9:35,092,710, plus strand): 5'-TCTGGAGAAGCCACTGGTAGTCAGCAGAGGCCTTGGAGAAGAGGTTCTGCAGCTGATGAA[G>A]CTCCTTAGCTTGAAGGTCCTGAGTAGCAGCTGAGTAGGTATGAAGAAATCGGGACACCTG-3'
Protein context (NP_116023.2, residues 383-403): AATQDLQAKE[Leu393Phe]HQLQNLFSKA